The following is an entry in ClinVar:

NM_001369.3(DNAH5):c.12907C>G (p.Gln4303Glu)

Gene: DNAH5 (dynein axonemal heavy chain 5; minus strand). Cytogenetic location: 5p15.2.
Variant type: single nucleotide variant.
Coding change: c.12907C>G on transcript NM_001369.3 (MANE Select); coding-DNA position 12907, C replaced by G.
Protein change: p.Gln4303Glu; replaces glutamine 4303 with glutamic acid.
Molecular consequence: missense variant.
Genome position (GRCh38, 1-based): chr5:13,716,489, G>C on the plus strand (C>G on the coding strand, the complement: DNAH5 is on the minus strand). VCF-style: chr5-13716489-G-C. GRCh37 (hg19) VCF-style: chr5-13716598-G-C.
Other names: short protein forms Q4303E.
Identifiers: ClinVar variation 2195049 (VCV002195049.1), dbSNP rs371030180, ClinGen allele CA3201507.

ClinVar aggregate classification (germline): Uncertain significance (1 of 4 stars; one submission).

Conditions:
Primary ciliary dyskinesia. Also called: Ciliary dyskinesia. Identifiers: Orphanet 244, MedGen C0008780, MONDO:0016575, HP:0012265.

Allele frequency attached by ClinVar (database versions not stated): ExAC 0.00001; gnomAD exomes 0.00002; TOPMed 0.00002; ESP Exome Variant Server 0.00008.
gnomAD v4.1: 29 of 1,612,084 alleles (0.0018%); highest among the groups gnomAD compares: Non-Finnish European, 0.0025%; no homozygotes.

Submission:

Labcorp Genetics (formerly Invitae), Labcorp
Classification: Uncertain significance for Primary ciliary dyskinesia. Last evaluated: 2022-02-05. Review status: criteria provided, single submitter. Criteria: Invitae Variant Classification Sherloc (09022015). Collection method: clinical testing. Allele origin: germline.
Comment: This sequence change replaces glutamine, which is neutral and polar, with glutamic acid, which is acidic and polar, at codon 4303 of the DNAH5 protein (p.Gln4303Glu). This variant is present in population databases (rs371030180, gnomAD 0.0009%). This variant has not been reported in the literature in individuals affected with DNAH5-related conditions. Algorithms developed to predict the effect of missense changes on protein structure and function (SIFT, PolyPhen-2, Align-GVGD) all suggest that this variant is likely to be tolerated. In summary, the available evidence is currently insufficient to determine the role of this variant in disease. Therefore, it has been classified as a Variant of Uncertain Significance.